The following is an entry in ClinVar:

NM_019109.5(ALG1):c.946G>A (p.Val316Ile)

Gene: ALG1 (ALG1 chitobiosyldiphosphodolichol beta-mannosyltransferase; plus strand). Cytogenetic location: 16p13.3.
Variant type: single nucleotide variant.
Coding change: c.946G>A on transcript NM_019109.5 (MANE Select); coding-DNA position 946, G replaced by A.
Protein change: p.Val316Ile; replaces valine 316 with isoleucine.
Molecular consequence: missense variant.
Genome position (GRCh38, 1-based): chr16:5,079,792, G>A. VCF-style: chr16-5079792-G-A. GRCh37 (hg19) VCF-style: chr16-5129793-G-A.
Other names: c.613G>A, p.Val205Ile (NM_001330504.2); short protein forms V205I, V316I.
Identifiers: ClinVar variation 982983 (VCV000982983.10), dbSNP rs150272167, ClinGen allele CA7890118.

ClinVar aggregate classification (germline): Conflicting classifications of pathogenicity. Review status: criteria provided, conflicting classifications (1 of 4 stars). 3 submissions from 3 submitters: Uncertain significance (2); Likely benign (1). Last evaluated 2026-01-31.

Conditions:
ALG1-congenital disorder of glycosylation. Also called: ALG1-CDG; CONGENITAL DISORDER OF GLYCOSYLATION, TYPE Ik; CDG Ik. Identifiers: Orphanet 79327, MedGen C2931005, MONDO:0012052, OMIM 608540.

Allele frequency attached by ClinVar (database versions not stated): ESP Exome Variant Server 0.00023; TOPMed 0.00039; 1000 Genomes Project 0.00060; 1000 Genomes Project 30x 0.00078.
gnomAD v4.1: 551 of 1,611,648 alleles (0.034%); highest among the groups gnomAD compares: South Asian, 0.15%; 4 homozygotes.

Submissions (3):

Labcorp Genetics (formerly Invitae), Labcorp
Classification: Likely benign for ALG1-congenital disorder of glycosylation. Last evaluated: 2026-01-31. Review status: criteria provided, single submitter. Criteria: Invitae Variant Classification Sherloc (09022015). Collection method: clinical testing. Allele origin: germline.

New York Genome Center
Classification: Uncertain significance for ALG1-congenital disorder of glycosylation. Last evaluated: 2020-04-14. Review status: criteria provided, single submitter. Criteria: NYGC Assertion Criteria 2020. Collection method: clinical testing. Allele origin: germline. Observed: 1 heterozygote. Study: CSER-NYCKidSeq.

Institute of Human Genetics, University of Leipzig Medical Center
Classification: Uncertain significance for ALG1-congenital disorder of glycosylation. Last evaluated: 2019-01-01. Review status: criteria provided, single submitter. Criteria: ACMG Guidelines, 2015. Collection method: clinical testing. Allele origin: unknown. Affected: yes.
Comment: This variant was identified as compound heterozygous.